The following is an entry in ClinVar:

ClinVar aggregate classification (germline): Uncertain significance (1 of 4 stars; one submission).

Conditions:
Inborn genetic diseases. Identifiers: MedGen C0950123, MeSH D030342.

Submission:

Ambry Genetics
Classification: Uncertain significance for Inborn genetic diseases. Last evaluated: 2022-07-03. Review status: criteria provided, single submitter. Criteria: Ambry Variant Classification Scheme 2023. Collection method: clinical testing. Allele origin: germline.
Comment: The p.A1568S variant (also known as c.4702G>T), located in coding exon 13 of the F5 gene, results from a G to T substitution at nucleotide position 4702. The alanine at codon 1568 is replaced by serine, an amino acid with similar properties. This amino acid position is conserved. In addition, this alteration is predicted to be tolerated by in silico analysis. Since supporting evidence is limited at this time, the clinical significance of this alteration remains unclear.

NM_000130.5(F5):c.4702G>T (p.Ala1568Ser)

Gene: F5 (coagulation factor V; minus strand). Cytogenetic location: 1q24.2.
Variant type: single nucleotide variant.
Coding change: c.4702G>T on transcript NM_000130.5 (MANE Select); coding-DNA position 4702, G replaced by T.
Protein change: p.Ala1568Ser; replaces alanine 1568 with serine.
Molecular consequence: missense variant.
Genome position (GRCh38, 1-based): chr1:169,540,388, C>A on the plus strand (G>T on the coding strand, the complement: F5 is on the minus strand). VCF-style: chr1-169540388-C-A. GRCh37 (hg19) VCF-style: chr1-169509626-C-A.
Other names: short protein forms A1568S.
Identifiers: ClinVar variation 1742561 (VCV001742561.2), dbSNP rs2526387062, ClinGen allele CA343141786.
Genomic context (GRCh38, chr1:169,540,388, plus strand): 5'-CTTCAGCAGCAATGTAATAATTTCTTCTGTTTCCATTGTTGCTGCGGAGGTACCATGCTG[C>A]AATGTTGTCAGGATCTCTGGAGGAGTTGATGTTTGTCCTAACATCAGTTTTGTAGGGGTC-3'
Protein context (NP_000121.2, residues 1558-1578): INSSRDPDNI[Ala1568Ser]AWYLRSNNGN